The following is an entry in ClinVar:

NM_021620.4(PRDM13):c.532C>G (p.Arg178Gly)

Gene: PRDM13 (PR/SET domain 13; plus strand). Cytogenetic location: 6q16.2.
Variant type: single nucleotide variant.
Coding change: c.532C>G on transcript NM_021620.4 (MANE Select); coding-DNA position 532, C replaced by G.
Protein change: p.Arg178Gly; replaces arginine 178 with glycine.
Molecular consequence: missense variant.
Genome position (GRCh38, 1-based): chr6:99,613,167, C>G. VCF-style: chr6-99613167-C-G. GRCh37 (hg19) VCF-style: chr6-100061043-C-G.
Other names: short protein forms R178G.
Identifiers: ClinVar variation 1491473 (VCV001491473.8), dbSNP rs759305948, ClinGen allele CA365115529.

ClinVar aggregate classification (germline): Uncertain significance (1 of 4 stars; one submission).

Submission:

Labcorp Genetics (formerly Invitae), Labcorp
Classification: Uncertain significance. Last evaluated: 2022-07-05. Review status: criteria provided, single submitter. Criteria: Invitae Variant Classification Sherloc (09022015). Collection method: clinical testing. Allele origin: germline.
Comment: In summary, the available evidence is currently insufficient to determine the role of this variant in disease. Therefore, it has been classified as a Variant of Uncertain Significance. Algorithms developed to predict the effect of missense changes on protein structure and function (SIFT, PolyPhen-2, Align-GVGD) all suggest that this variant is likely to be disruptive. ClinVar contains an entry for this variant (Variation ID: 1491473). This variant has not been reported in the literature in individuals affected with PRDM13-related conditions. This variant is not present in population databases (gnomAD no frequency). This sequence change replaces arginine, which is basic and polar, with glycine, which is neutral and non-polar, at codon 178 of the PRDM13 protein (p.Arg178Gly).